The following is an entry in ClinVar:

NM_000526.5(KRT14):c.881T>C (p.Met294Thr)

Gene: KRT14 (keratin 14; minus strand). Cytogenetic location: 17q21.2.
Variant type: single nucleotide variant.
Coding change: c.881T>C on transcript NM_000526.5 (MANE Select); coding-DNA position 881, T replaced by C.
Protein change: p.Met294Thr; replaces methionine 294 with threonine.
Molecular consequence: missense variant.
Genome position (GRCh38, 1-based): chr17:41,583,806, A>G on the plus strand (T>C on the coding strand, the complement: KRT14 is on the minus strand). VCF-style: chr17-41583806-A-G. GRCh37 (hg19) VCF-style: chr17-39740058-A-G.
Other names: short protein forms M294T.
Identifiers: ClinVar variation 2760091 (VCV002760091.3), dbSNP rs200836945, ClinGen allele CA8562584.

ClinVar aggregate classification (germline): Uncertain significance (1 of 4 stars; one submission).

Allele frequency attached by ClinVar (database versions not stated): ExAC 0.00003; ESP Exome Variant Server 0.00008; gnomAD 0.00008; TOPMed 0.00008.
gnomAD v4.1: 173 of 1,614,040 alleles (0.011%); highest among the groups gnomAD compares: Non-Finnish European, 0.014%; no homozygotes.

Submission:

Labcorp Genetics (formerly Invitae), Labcorp
Classification: Uncertain significance. Last evaluated: 2023-12-02. Review status: criteria provided, single submitter. Criteria: Invitae Variant Classification Sherloc (09022015). Collection method: clinical testing. Allele origin: germline.
Comment: This sequence change replaces methionine, which is neutral and non-polar, with threonine, which is neutral and polar, at codon 294 of the KRT14 protein (p.Met294Thr). This variant is present in population databases (rs200836945, gnomAD 0.02%). This missense change has been observed in individual(s) with clinical features of epidermolysis bullosa simplex (PMID: 27611893). Advanced modeling of protein sequence and biophysical properties (such as structural, functional, and spatial information, amino acid conservation, physicochemical variation, residue mobility, and thermodynamic stability) performed at Invitae indicates that this missense variant is not expected to disrupt KRT14 protein function with a negative predictive value of 80%. In summary, the available evidence is currently insufficient to determine the role of this variant in disease. Therefore, it has been classified as a Variant of Uncertain Significance.

Literature cited by the submitters: PubMed 27611893.